The following is an entry in ClinVar:

NM_020989.4(CRYGC):c.428A>C (p.Gln143Pro)

Genes: CRYGC (crystallin gamma C; minus strand), LOC100507443 (uncharacterized LOC100507443; plus strand). Cytogenetic location: 2q33.3.
Variant type: single nucleotide variant.
Coding change: c.428A>C on transcript NM_020989.4 (MANE Select); coding-DNA position 428, A replaced by C.
Protein change: p.Gln143Pro; replaces glutamine 143 with proline.
Molecular consequence: missense variant.
Genome position (GRCh38, 1-based): chr2:208,128,300, T>G on the plus strand (A>C on the coding strand, the complement: CRYGC is on the minus strand). VCF-style: chr2-208128300-T-G. GRCh37 (hg19) VCF-style: chr2-208993024-T-G.
Other names: short protein forms Q143P.
Identifiers: ClinVar variation 4804246 (VCV004804246.1).

ClinVar aggregate classification (germline): Uncertain significance (1 of 4 stars; one submission).

Conditions:
Nuclear pulverulent cataract (CTRCT2). Identifiers: MedGen C1852438, HP:0010698.

Submission:

Labcorp Genetics (formerly Invitae), Labcorp
Classification: Uncertain significance for Nuclear pulverulent cataract. Last evaluated: 2025-03-29. Review status: criteria provided, single submitter. Criteria: Invitae Variant Classification Sherloc (09022015). Collection method: clinical testing. Allele origin: germline.
Comment: This sequence change replaces glutamine, which is neutral and polar, with proline, which is neutral and non-polar, at codon 143 of the CRYGC protein (p.Gln143Pro). This variant is not present in population databases (gnomAD no frequency). This variant has not been reported in the literature in individuals affected with CRYGC-related conditions. An algorithm developed to predict the effect of missense changes on protein structure and function (PolyPhen-2) suggests that this variant is likely to be disruptive. In summary, the available evidence is currently insufficient to determine the role of this variant in disease. Therefore, it has been classified as a Variant of Uncertain Significance.